The following is an entry in ClinVar:

NM_001277313.2(FMN1):c.1676G>A (p.Ser559Asn)

Gene: FMN1 (formin 1; minus strand). Cytogenetic location: 15q13.3.
Variant type: single nucleotide variant.
Coding change: c.1676G>A on transcript NM_001277313.2 (MANE Select); coding-DNA position 1676, G replaced by A.
Protein change: p.Ser559Asn; replaces serine 559 with asparagine.
Molecular consequence: missense variant.
Genome position (GRCh38, 1-based): chr15:33,153,239, C>T on the plus strand (G>A on the coding strand, the complement: FMN1 is on the minus strand). VCF-style: chr15-33153239-C-T. GRCh37 (hg19) VCF-style: chr15-33445440-C-T.
Other names: c.1676G>A, p.Ser559Asn (NM_001277314.2); short protein forms S559N.
Identifiers: ClinVar variation 2106213 (VCV002106213.4), dbSNP rs2505950298, ClinGen allele CA391907133.

ClinVar aggregate classification (germline): Uncertain significance (1 of 4 stars; one submission).

Submission:

Labcorp Genetics (formerly Invitae), Labcorp
Classification: Uncertain significance. Last evaluated: 2022-05-12. Review status: criteria provided, single submitter. Criteria: Invitae Variant Classification Sherloc (09022015). Collection method: clinical testing. Allele origin: germline.
Comment: This variant has not been reported in the literature in individuals affected with FMN1-related conditions. The FMN1 gene has multiple clinically relevant transcripts. This variant occurs in alternate transcript NM_001277314.1, and corresponds to NM_001103184.3:c.-85355G>A in the primary transcript. This sequence change replaces serine, which is neutral and polar, with asparagine, which is neutral and polar, at codon 559 of the FMN1 protein (p.Ser559Asn). This variant is not present in population databases (gnomAD no frequency). Experimental studies and prediction algorithms are not available or were not evaluated, and the functional significance of this variant is currently unknown. In summary, the available evidence is currently insufficient to determine the role of this variant in disease. Therefore, it has been classified as a Variant of Uncertain Significance.